The following is an entry in ClinVar:

NM_000426.4(LAMA2):c.6560del (p.Gly2187fs)

Gene: LAMA2 (laminin subunit alpha 2; plus strand). Cytogenetic location: 6q22.33.
Variant type: Deletion.
Coding change: c.6560del on transcript NM_000426.4 (MANE Select); coding-DNA position 6560, one base deleted (G; older notation c.6560delG).
Protein change: p.Gly2187fs; shifts the reading frame from glycine 2187.
Molecular consequence: frameshift variant.
Genome position (GRCh38, 1-based): chr6:129,453,118, G deleted; the last of 2 consecutive G bases (chr6:129,453,117-129,453,118); deleting either gives the same sequence. VCF-style (leftmost placement, unchanged base first): chr6-129453116-TG-T. GRCh37 (hg19) VCF-style: chr6-129774261-TG-T.
Other names: c.6560del, p.Gly2187fs (NM_001079823.2); short protein forms G2187fs.
Identifiers: ClinVar variation 1726646 (VCV001726646.3), dbSNP rs2533416629, ClinGen allele CA2580074976.

ClinVar aggregate classification (germline): Likely pathogenic (1 of 4 stars; one submission).

Conditions:
LAMA2-related muscular dystrophy (LAMA2-RD). Also called: Laminin alpha 2-related dystrophy. Identifiers: MedGen C5679788, MONDO:0100228.

Submission:

Myriad Genetics, Inc.
Classification: Likely pathogenic for LAMA2-related muscular dystrophy. Last evaluated: 2021-12-30. Review status: criteria provided, single submitter. Criteria: Myriad Autosomal Dominant, Autosomal Recessive and X-Linked Classification Criteria (2023). Collection method: clinical testing. Allele origin: unknown.
Comment: NM_000426.3(LAMA2):c.6560delG(G2187Efs*11) is expected to be pathogenic in the context of muscular dystrophy, LAMA2-related. This variant is predicted to lead to an abnormal or absent protein product due to the creation of a premature termination codon in LAMA2, a gene where loss-of-function variants are known to be pathogenic. Please note: this variant was assessed in the context of healthy population screening.